The following is an entry in ClinVar:

ClinVar aggregate classification (germline): Uncertain significance (1 of 4 stars; one submission).

Submission:

Labcorp Genetics (formerly Invitae), Labcorp
Classification: Uncertain significance. Last evaluated: 2023-07-16. Review status: criteria provided, single submitter. Criteria: Invitae Variant Classification Sherloc (09022015). Collection method: clinical testing. Allele origin: unknown.
Comment: In summary, the available evidence is currently insufficient to determine the role of this variant in disease. Therefore, it has been classified as a Variant of Uncertain Significance. Experimental studies and prediction algorithms are not available or were not evaluated, and the functional significance of this variant is currently unknown. This variant is a gross deletion of the genomic region encompassing exon(s) 45-47 of the ATR gene, which includes the termination codon. This deletion extends beyond the assayed region for this gene and therefore may encompass additional genes. While this deletion is not anticipated to lead to nonsense mediated decay, it is expected to alter mRNA translation or result in a truncated protein product. This variant has not been reported in the literature in individuals affected with ATR-related conditions.

NC_000003.11:g.(?_142168271)_(142176617_?)del

Gene: ATR (ATR serine/threonine kinase; minus strand). Cytogenetic location: 3q23.
Variant type: Deletion.
Identifiers: ClinVar variation 3246967 (VCV003246967.1).